The following is an entry in ClinVar:

NM_018685.5(ANLN):c.1547A>T (p.Lys516Ile)

Gene: ANLN (anillin, actin binding protein; plus strand). Cytogenetic location: 7p14.2.
Variant type: single nucleotide variant.
Coding change: c.1547A>T on transcript NM_018685.5 (MANE Select); coding-DNA position 1547, A replaced by T.
Protein change: p.Lys516Ile; replaces lysine 516 with isoleucine.
Molecular consequence: missense variant. On other transcripts: intron variant (2).
Genome position (GRCh38, 1-based): chr7:36,417,104, A>T. VCF-style: chr7-36417104-A-T. GRCh37 (hg19) VCF-style: chr7-36456713-A-T.
Other names: c.1522+1220A>T (NM_001284301.3, NM_001284302.3); c.1547A>T (NM_018685.4, NM_018685.2); short protein forms K516I.
Identifiers: ClinVar variation 2439105 (VCV002439105.9), dbSNP rs375733596, ClinGen allele CA4219648.

ClinVar aggregate classification (germline): Conflicting classifications of pathogenicity. Review status: criteria provided, conflicting classifications (1 of 4 stars). 4 submissions from 4 submitters: Uncertain significance (1); Likely benign (3). Last evaluated 2026-04-13.

Conditions:
Focal segmental glomerulosclerosis 8 (FSGS8). Identifiers: Orphanet 656, MedGen C4014993, MONDO:0014462, OMIM 616032.
ANLN-related disorder. Also called: ANLN-related condition.

Allele frequency attached by ClinVar (database versions not stated): gnomAD exomes 0.00002; gnomAD 0.00004; TOPMed 0.00008; ExAC 0.00009.
gnomAD v4.1: 39 of 1,607,200 alleles (0.0024%); highest among the groups gnomAD compares: East Asian, 0.081%; no homozygotes.

Submissions (4):

PreventionGenetics, part of Exact Sciences
Classification: Likely benign for ANLN-related condition. Last evaluated: 2026-04-13. Review status: criteria provided, single submitter. Criteria: ACMG Guidelines, 2015. Collection method: clinical testing. Allele origin: germline.
Comment: This variant is classified as likely benign based on ACMG/AMP sequence variant interpretation guidelines (Richards et al. 2015 PMID: 25741868, with internal and published modifications).

Labcorp Genetics (formerly Invitae), Labcorp
Classification: Likely benign. Last evaluated: 2025-12-29. Review status: criteria provided, single submitter. Criteria: Invitae Variant Classification Sherloc (09022015). Collection method: clinical testing. Allele origin: germline.

Ambry Genetics
Classification: Likely benign. Last evaluated: 2025-02-27. Review status: criteria provided, single submitter. Criteria: Ambry Variant Classification Scheme 2023. Collection method: clinical testing. Allele origin: germline.

Revvity Omics, Revvity
Classification: Uncertain significance for Focal segmental glomerulosclerosis 8. Last evaluated: 2021-11-30. Review status: criteria provided, single submitter. Criteria: ACMG Guidelines, 2015. Collection method: clinical testing. Allele origin: germline.